The following is an entry in ClinVar:

ClinVar aggregate classification (germline): Uncertain significance (1 of 4 stars; one submission).

Conditions:
Hereditary spastic paraplegia 50 (SPG50). Also called: Spastic paraplegia 50, autosomal recessive. Identifiers: Orphanet 280763, MedGen C2752008, MONDO:0013048, OMIM 612936.

Allele frequency attached by ClinVar (database versions not stated): gnomAD exomes below 0.00001; ExAC 0.00001; gnomAD 0.00002 and 0.00003; TOPMed 0.00003; ESP Exome Variant Server 0.00008.
gnomAD v4.1: 5 of 1,614,106 alleles (0.00031%); highest among the groups gnomAD compares: African/African-American, 0.0067%; no homozygotes.

Submission:

Labcorp Genetics (formerly Invitae), Labcorp
Classification: Uncertain significance for Hereditary spastic paraplegia 50. Last evaluated: 2021-12-02. Review status: criteria provided, single submitter. Criteria: Invitae Variant Classification Sherloc (09022015). Collection method: clinical testing. Allele origin: germline.
Comment: In summary, the available evidence is currently insufficient to determine the role of this variant in disease. Therefore, it has been classified as a Variant of Uncertain Significance. Algorithms developed to predict the effect of missense changes on protein structure and function (SIFT, PolyPhen-2, Align-GVGD) all suggest that this variant is likely to be disruptive. This variant has not been reported in the literature in individuals affected with AP4M1-related conditions. This variant is not present in population databases (gnomAD no frequency). This sequence change replaces glutamic acid, which is acidic and polar, with glutamine, which is neutral and polar, at codon 213 of the AP4M1 protein (p.Glu213Gln).

NM_004722.4(AP4M1):c.637G>C (p.Glu213Gln)

Gene: AP4M1 (adaptor related protein complex 4 subunit mu 1; plus strand). Cytogenetic location: 7q22.1.
Variant type: single nucleotide variant.
Coding change: c.637G>C on transcript NM_004722.4 (MANE Select); coding-DNA position 637, G replaced by C.
Protein change: p.Glu213Gln; replaces glutamic acid 213 with glutamine.
Molecular consequence: missense variant.
Genome position (GRCh38, 1-based): chr7:100,104,904, G>C. VCF-style: chr7-100104904-G-C. GRCh37 (hg19) VCF-style: chr7-99702527-G-C.
Other names: c.658G>C, p.Glu220Gln (NM_001363671.2); short protein forms E220Q, E213Q.
Identifiers: ClinVar variation 1495141 (VCV001495141.5), dbSNP rs373833370, ClinGen allele CA4374716.